The following is an entry in ClinVar:

NM_001113378.2(FANCI):c.3252C>T (p.Val1084=)

Gene: FANCI (FA complementation group I; plus strand). Cytogenetic location: 15q26.1.
Variant type: single nucleotide variant.
Coding change: c.3252C>T on transcript NM_001113378.2 (MANE Select); coding-DNA position 3252, C replaced by T.
Protein change: p.Val1084=; no amino-acid change (valine 1084 retained).
Molecular consequence: synonymous variant.
Genome position (GRCh38, 1-based): chr15:89,305,406, C>T. VCF-style: chr15-89305406-C-T. GRCh37 (hg19) VCF-style: chr15-89848637-C-T.
Other names: c.2973C>T, p.Val991= (NM_001376910.1); c.3252C>T, p.Val1084= (NM_001376911.1); c.3072C>T, p.Val1024= (NM_018193.3).
Identifiers: ClinVar variation 1116772 (VCV001116772.22), dbSNP rs1270769440, ClinGen allele CA492064339.

ClinVar aggregate classification (germline): Likely benign. Review status: criteria provided, multiple submitters, no conflicts (2 of 4 stars). 2 submissions from 2 submitters: Likely benign (2). Last evaluated 2026-01-26.

Conditions:
Fanconi anemia (FA). Also called: Fanconi's anemia. Identifiers: Orphanet 84, MedGen C0015625, MeSH D005199, MONDO:0019391.

Allele frequency attached by ClinVar (database versions not stated): gnomAD 0.00001; gnomAD exomes 0.00001.
gnomAD v4.1: 28 of 1,613,338 alleles (0.0017%); highest among the groups gnomAD compares: Middle Eastern, 0.054%; no homozygotes.

Submissions (2):

Labcorp Genetics (formerly Invitae), Labcorp
Classification: Likely benign for Fanconi anemia. Last evaluated: 2026-01-26. Review status: criteria provided, single submitter. Criteria: Invitae Variant Classification Sherloc (09022015). Collection method: clinical testing. Allele origin: germline.

CeGaT Center for Human Genetics Tuebingen
Classification: Likely benign. Last evaluated: 2025-01-01. Review status: criteria provided, single submitter. Criteria: CeGaT Center For Human Genetics Tuebingen Variant Classification Criteria Version 2. Collection method: clinical testing. Allele origin: germline. Affected: yes. Observed: 1 variant allele.
Comment: FANCI: BP4, BP7